The following is an entry in ClinVar:

NM_024422.6(DSC2):c.1431T>C (p.Thr477=)

Gene: DSC2 (desmocollin 2; minus strand). Cytogenetic location: 18q12.1.
Variant type: single nucleotide variant.
Coding change: c.1431T>C on transcript NM_024422.6 (MANE Select); coding-DNA position 1431, T replaced by C.
Protein change: p.Thr477=; no amino-acid change (threonine 477 retained).
Molecular consequence: synonymous variant.
Genome position (GRCh38, 1-based): chr18:31,080,185, A>G on the plus strand (T>C on the coding strand, the complement: DSC2 is on the minus strand). VCF-style: chr18-31080185-A-G. GRCh37 (hg19) VCF-style: chr18-28660151-A-G.
Other names: c.1002T>C, p.Thr334= (NM_001406506.1, NM_001406507.1); c.1431T>C, p.Thr477= (NM_004949.5); c.1431T>C (NM_024422.3).
Identifiers: ClinVar variation 3257248 (VCV003257248.18).
Genomic context (GRCh38, chr18:31,080,185, plus strand): 5'-GTCATATGCTTTATATCCATTGCTTGTTGTTCCCACTTCTGCATTTTCTTTCATGCGAAC[A>G]GTCTGTATTGGAGGGTTACACTCAGGGCCCTCATCCTGATCTTCTACATTAACAGTAACT-3'
Protein context (NP_077740.1, residues 467-487): EGPECNPPIQ[Thr477=]VRMKENAEVG

ClinVar aggregate classification (germline): Likely benign. Review status: criteria provided, multiple submitters, no conflicts (2 of 4 stars). 2 submissions from 2 submitters: Likely benign (2). Last evaluated 2026-07-21.

Conditions:
Cardiovascular phenotype. Identifiers: MedGen CN230736.

gnomAD v4.1: 1 of 1,614,072 alleles (0.000062%); highest among the groups gnomAD compares: Non-Finnish European, 0.000085%; no homozygotes.

Submissions (2):

Ambry Genetics
Classification: Likely benign for Cardiovascular phenotype. Last evaluated: 2026-07-21. Review status: criteria provided, single submitter. Criteria: Ambry Variant Classification Scheme 2023. Collection method: clinical testing. Allele origin: germline.

CeGaT Center for Human Genetics Tuebingen
Classification: Likely benign. Last evaluated: 2024-07-01. Review status: criteria provided, single submitter. Criteria: CeGaT Center For Human Genetics Tuebingen Variant Classification Criteria Version 2. Collection method: clinical testing. Allele origin: germline. Affected: yes. Observed: 1 variant allele.
Comment: DSC2: BP4, BP7